The following is an entry in ClinVar:

NM_000257.4(MYH7):c.137T>C (p.Phe46Ser)

Gene: MYH7 (myosin heavy chain 7; minus strand). Cytogenetic location: 14q11.2.
Variant type: single nucleotide variant.
Coding change: c.137T>C on transcript NM_000257.4 (MANE Select); coding-DNA position 137, T replaced by C.
Protein change: p.Phe46Ser; replaces phenylalanine 46 with serine.
Molecular consequence: missense variant.
Genome position (GRCh38, 1-based): chr14:23,433,596, A>G on the plus strand (T>C on the coding strand, the complement: MYH7 is on the minus strand). VCF-style: chr14-23433596-A-G. GRCh37 (hg19) VCF-style: chr14-23902805-A-G.
Other names: c.137T>C, p.Phe46Ser (NM_001407004.1); short protein forms F46S.
Identifiers: ClinVar variation 5043517 (VCV005043517.1).

ClinVar aggregate classification (germline): Uncertain significance (1 of 4 stars; one submission).

Conditions:
Hypertrophic cardiomyopathy 1 (CMH1). Also called: Familial hypertrophic cardiomyopathy 1; MYH7-Related Familial Hypertrophic Cardiomyopathy. Identifiers: MedGen C3495498, MONDO:0008647, OMIM 192600.

Submission:

Institute of Human Genetics, University of Goettingen
Classification: Uncertain significance for Hypertrophic cardiomyopathy 1. Last evaluated: 2026-05-15. Review status: criteria provided, single submitter. Criteria: ACMG Guidelines, 2015. Collection method: clinical testing. Allele origin: germline. Inheritance: Autosomal dominant inheritance. Observed: 1 variant allele, 1 heterozygote.
Comment: ACMG: PM2_SUP, PP3